The following is an entry in ClinVar:

NM_001797.4(CDH11):c.1574C>G (p.Pro525Arg)

Gene: CDH11 (cadherin 11; minus strand). Cytogenetic location: 16q21.
Variant type: single nucleotide variant.
Coding change: c.1574C>G on transcript NM_001797.4 (MANE Select); coding-DNA position 1574, C replaced by G.
Protein change: p.Pro525Arg; replaces proline 525 with arginine.
Molecular consequence: missense variant.
Genome position (GRCh38, 1-based): chr16:64,971,647, G>C on the plus strand (C>G on the coding strand, the complement: CDH11 is on the minus strand). VCF-style: chr16-64971647-G-C. GRCh37 (hg19) VCF-style: chr16-65005550-G-C.
Other names: c.1574C>G, p.Pro525Arg (NM_001308392.2); c.1196C>G, p.Pro399Arg (NM_001330576.2); short protein forms P399R, P525R.
Identifiers: ClinVar variation 4853661 (VCV004853661.1).
Genomic context (GRCh38, chr16:64,971,647, plus strand): 5'-TCTCTGACTGTGAAATTTGGATTGTGAATGATTTCAGGGGGTAGGCTGAAGATAAATCTT[G>C]GTCCATTGGCCGTGTCATCCTTGTCATCTGCACTAATTGTAACAATTGGCTGAAAGAGAA-3'
Protein context (NP_001788.2, residues 515-535): ADDKDDTANG[Pro525Arg]RFIFSLPPEI

ClinVar aggregate classification (germline): Uncertain significance (1 of 4 stars; one submission).

Submission:

Women's Health and Genetics/Laboratory Corporation of America, LabCorp
Classification: Uncertain significance. Last evaluated: 2026-05-27. Review status: criteria provided, single submitter. Criteria: LabCorp Variant Classification Summary - May 2015. Collection method: clinical testing. Allele origin: germline.
Comment: Variant summary: CDH11 c.1574C>G (p.Pro525Arg) results in a non-conservative amino acid change in the encoded protein sequence. Algorithms developed to predict the effect of missense changes on protein structure and function are either unavailable or do not agree on the potential impact of this missense change. The variant was absent in 250826 control chromosomes. The available data on variant occurrences in the general population are insufficient to allow any conclusion about variant significance. To our knowledge, no occurrence of c.1574C>G in individuals affected with CDH11-related conditions and no experimental evidence demonstrating its impact on protein function have been reported. No submitters have cited clinical-significance assessments for this variant to ClinVar. Based on the evidence outlined above, the variant was classified as uncertain significance.